The following is an entry in ClinVar:

NM_024301.5(FKRP):c.646C>T (p.Arg216Trp)

Gene: FKRP (fukutin related protein; plus strand). Cytogenetic location: 19q13.32.
Variant type: single nucleotide variant.
Coding change: c.646C>T on transcript NM_024301.5 (MANE Select); coding-DNA position 646, C replaced by T.
Protein change: p.Arg216Trp; replaces arginine 216 with tryptophan.
Molecular consequence: missense variant.
Genome position (GRCh38, 1-based): chr19:46,756,096, C>T. VCF-style: chr19-46756096-C-T. GRCh37 (hg19) VCF-style: chr19-47259353-C-T.
Other names: c.646C>T, p.Arg216Trp (NM_001039885.3); short protein forms R216W.
Identifiers: ClinVar variation 1476315 (VCV001476315.16), dbSNP rs2054912295, ClinGen allele CA406495729.
Genomic context (GRCh38, chr19:46,756,096, plus strand): 5'-GGAGATGCTGTGGTGCTCCTGCGCGCCCGCGACCTCTTCAACCTCTCGGCGCCCCTGGCC[C>T]GGCCGGTGGGCACCAGCCTCTTTCTGCAGACCGCCCTTCGCGGCTGGGCGGTGCAGCTGC-3'
Protein context (NP_077277.1, residues 206-226): DLFNLSAPLA[Arg216Trp]PVGTSLFLQT

ClinVar aggregate classification (germline): Conflicting classifications of pathogenicity. Review status: criteria provided, conflicting classifications (1 of 4 stars). 4 submissions from 4 submitters: Pathogenic (1); Likely pathogenic (1); Uncertain significance (2). Last evaluated 2026-06-09.

Conditions:
Cardiovascular phenotype. Identifiers: MedGen CN230736.
Walker-Warburg congenital muscular dystrophy. Also called: Muscular dystrophy-dystroglycanopathy, type A; Walker-Warburg syndrome. Identifiers: Orphanet 899, MedGen C0265221, MONDO:0000171.
Autosomal recessive limb-girdle muscular dystrophy type 2I. Also called: MUSCULAR DYSTROPHY-DYSTROGLYCANOPATHY (LIMB-GIRDLE), TYPE C, 5; MUSCULAR DYSTROPHY, LIMB-GIRDLE, TYPE 2I; MUSCULAR DYSTROPHY-DYSTROGLYCANOPATHY, LIMB-GIRDLE, FRKP-RELATED. Identifiers: Orphanet 34515, MedGen C1846672, MONDO:0011787, OMIM 607155.

Allele frequency attached by ClinVar (database versions not stated): gnomAD exomes below 0.00001; TOPMed below 0.00001.

Submissions (4):

Ambry Genetics
Classification: Likely pathogenic for Cardiovascular phenotype. Last evaluated: 2026-06-09. Review status: criteria provided, single submitter. Criteria: Ambry Variant Classification Scheme 2023. Collection method: clinical testing. Allele origin: germline.
Comment: The p.R216W variant (also known as c.646C>T), located in coding exon 1 of the FKRP gene, results from a C to T substitution at nucleotide position 646. The arginine at codon 216 is replaced by tryptophan, an amino acid with dissimilar properties. This variant has been identified in the homozygous state and/or in conjunction with other FKRP variant(s) in individual(s) with features consistent with FKRP-related dystroglycanopathies; in at least one instance, the variants were identified in trans (Sframeli M et al. Neuromuscul Disord, 2017 Sep;27:793-803; Murphy LB et al. Ann Clin Transl Neurol, 2020 May;7:757-766; Unnikrishnan G et al. J Neuromuscul Dis, 2023;10:615-626; external communications). This amino acid position is well conserved in available vertebrate species. In addition, this alteration is predicted to be deleterious by in silico analysis. This variant is considered to be rare based on population cohorts in the Genome Aggregation Database (gnomAD). Based on the majority of available evidence to date, this variant is likely to be pathogenic.

Women's Health and Genetics/Laboratory Corporation of America, LabCorp
Classification: Uncertain significance. Last evaluated: 2025-07-17. Review status: criteria provided, single submitter. Criteria: LabCorp Variant Classification Summary - May 2015. Collection method: clinical testing. Allele origin: germline.
Comment: Variant summary: FKRP c.646C>T (p.Arg216Trp) results in a non-conservative amino acid change in the encoded protein sequence. Algorithms developed to predict the effect of missense changes on protein structure and function all suggest that this variant is likely to be disruptive. The frequency data for this variant in gnomAD is considered unreliable, as metrics indicate poor data quality at this position. c.646C>T has been observed in individuals affected with Limb-Girdle Muscular Dystrophy, Autosomal Recessive (Sframeli_2017, LCG internal data). These data do not allow any conclusion about variant significance. To our knowledge, no experimental evidence demonstrating an impact on protein function has been reported. The following publications have been ascertained in the context of this evaluation (PMID: 28688748). ClinVar contains an entry for this variant (Variation ID: 1476315). Based on the evidence outlined above, the variant was classified as uncertain significance.

Labcorp Genetics (formerly Invitae), Labcorp
Classification: Pathogenic for Walker-Warburg congenital muscular dystrophy. Last evaluated: 2025-01-13. Review status: criteria provided, single submitter. Criteria: Invitae Variant Classification Sherloc (09022015). Collection method: clinical testing. Allele origin: germline.
Comment: This sequence change replaces arginine, which is basic and polar, with tryptophan, which is neutral and slightly polar, at codon 216 of the FKRP protein (p.Arg216Trp). This variant is not present in population databases (gnomAD no frequency). This missense change has been observed in individual(s) with clinical features of limb-girdle muscular dystrophy (PMID: 28688748; internal data). In at least one individual the data is consistent with being in trans (on the opposite chromosome) from a pathogenic variant. ClinVar contains an entry for this variant (Variation ID: 1476315). Invitae Evidence Modeling of protein sequence and biophysical properties (such as structural, functional, and spatial information, amino acid conservation, physicochemical variation, residue mobility, and thermodynamic stability) indicates that this missense variant is expected to disrupt FKRP protein function with a positive predictive value of 95%. For these reasons, this variant has been classified as Pathogenic.

Diagnostics Services (NGS), CSIR - Centre For Cellular And Molecular Biology
Classification: Uncertain significance for Autosomal recessive limb-girdle muscular dystrophy type 2I. Last evaluated: 2022-07-05. Review status: criteria provided, single submitter. Criteria: ACMG Guidelines, 2015. Collection method: clinical testing. Allele origin: unknown. Affected: yes. Observed: 1 variant allele, 1 heterozygote.
Comment: The c.646C>T variant is not present in publicly available population databases like 1000 Genomes, Exome Variant Server (EVS), Exome Aggregation Consortium (ExAC), Genome Aggregation Database (gnomAD) and Indian Exome Database. The variant is not present in our in-house exome database. The variant was not previously reported to ClinVar, Human Genome Mutation Database (HGMD) and/or OMIM databases, in any affected individuals. In-silico pathogenicity prediction programs like SIFT, PolyPhen-2, MutationTaster2, CADD etc. predicted this variant to be likely deleterious, however these predictions were not confirmed by any published functional studies.

Literature cited by the submitters: PubMed 28688748 (cited by 3 submitters); PubMed 32342672 (cited by Ambry Genetics); PubMed 37154180 (cited by Ambry Genetics).